The following is an entry in ClinVar:

ClinVar aggregate classification (germline): Uncertain significance. Review status: criteria provided, multiple submitters, no conflicts (2 of 4 stars). 3 submissions from 3 submitters: Uncertain significance (2). 1 of the submissions does not count toward it. Last evaluated 2023-12-29.

Conditions:
Bardet-Biedl syndrome (BBS). Identifiers: Orphanet 110, MedGen C0752166, MONDO:0015229.
Bardet-Biedl syndrome 8 (BBS8). Identifiers: Orphanet 110, MedGen C1859566, MONDO:0014436, OMIM 615985.
Retinitis pigmentosa 51 (RP51). Identifiers: Orphanet 791, MedGen C3150715, MONDO:0013274, OMIM 613464.
TTC8-related disorder. Also called: TTC8-related condition.

Allele frequency attached by ClinVar (database versions not stated): gnomAD 0.00001; TOPMed 0.00001; ExAC 0.00002; gnomAD exomes 0.00002.

Submissions (3):

Fulgent Genetics
Classification: Uncertain significance for Retinitis pigmentosa 51; Bardet-Biedl syndrome 8. Last evaluated: 2023-12-29. Review status: criteria provided, single submitter. Criteria: ACMG Guidelines, 2015. Collection method: clinical testing. Allele origin: germline.

Labcorp Genetics (formerly Invitae), Labcorp
Classification: Uncertain significance for Bardet-Biedl syndrome. Last evaluated: 2023-05-22. Review status: criteria provided, single submitter. Criteria: Invitae Variant Classification Sherloc (09022015). Collection method: clinical testing. Allele origin: germline.
Comment: In summary, the available evidence is currently insufficient to determine the role of this variant in disease. Therefore, it has been classified as a Variant of Uncertain Significance. Advanced modeling of protein sequence and biophysical properties (such as structural, functional, and spatial information, amino acid conservation, physicochemical variation, residue mobility, and thermodynamic stability) performed at Invitae indicates that this missense variant is expected to disrupt TTC8 protein function. ClinVar contains an entry for this variant (Variation ID: 1905169). This variant is also known as c.725G>A, p.Arg242His. This missense change has been observed in individual(s) with clinical features of Bardet-Biedl syndrome (PMID: 33138063). This variant is present in population databases (rs760040510, gnomAD 0.009%). This sequence change replaces arginine, which is basic and polar, with histidine, which is basic and polar, at codon 232 of the TTC8 protein (p.Arg232His).

PreventionGenetics, part of Exact Sciences
Classification: Uncertain significance for TTC8-related condition. Last evaluated: 2023-12-04. Review status: no assertion criteria provided. Collection method: clinical testing. Allele origin: germline. Not counted in ClinVar's aggregate classification.
Comment: The TTC8 c.725G>A variant is predicted to result in the amino acid substitution p.Arg242His. This variant has been reported in an individual with Bardet-Biedl syndrome, however this individual also harbored variants in the BBS2 and BBS10 genes (gene reported as BBS8 in Jeziorny et al. 2020. PubMed ID: 33138063 ). This variant is reported in 0.012% of alleles in individuals of Latino descent in gnomAD. At this time, the clinical significance of this variant is uncertain due to the absence of conclusive functional and genetic evidence.

Literature cited by the submitters: PubMed 33138063 (cited by Labcorp Genetics (formerly Invitae), Labcorp).

NM_144596.4(TTC8):c.725G>A (p.Arg242His)

Gene: TTC8 (tetratricopeptide repeat domain 8; plus strand). Cytogenetic location: 14q31.3.
Variant type: single nucleotide variant.
Coding change: c.725G>A on transcript NM_144596.4 (MANE Select); coding-DNA position 725, G replaced by A.
Protein change: p.Arg242His; replaces arginine 242 with histidine.
Molecular consequence: missense variant. On other transcripts: non-coding transcript variant (1).
Genome position (GRCh38, 1-based): chr14:88,857,204, G>A. VCF-style: chr14-88857204-G-A. GRCh37 (hg19) VCF-style: chr14-89323548-G-A.
Other names: c.773G>A, p.Arg258His (NM_001288781.1); c.131G>A, p.Arg44His (NM_001288782.1); c.8G>A, p.Arg3His (NM_001288783.1); c.695G>A, p.Arg232His (NM_001366535.2, NM_198309.3); c.605G>A, p.Arg202His (NM_001366536.2, NM_198310.3); c.725G>A (NM_144596.3); short protein forms R258H, R44H, R232H, R3H, R202H, R242H.
Identifiers: ClinVar variation 1905169 (VCV001905169.8), dbSNP rs760040510, ClinGen allele CA7302584.
Genomic context (GRCh38, chr14:88,857,204, plus strand): 5'-TTTATTTTTAAGTTGAATGTCTAATTCTTAAAATTGCTATTTGTAGGTTGGGAATGTATC[G>A]TGAAGCAGAAAAACAGTTTAAATCAGCCCTGAAGCAGCAGGAAATGGTAGATACATTTCT-3'
Protein context (NP_653197.2, residues 232-252): GKCYYRLGMY[Arg242His]EAEKQFKSAL